The following is an entry in ClinVar:

NM_006361.6(HOXB13):c.795G>T (p.Gln265His)

Gene: HOXB13 (homeobox B13; minus strand). Cytogenetic location: 17q21.32.
Variant type: single nucleotide variant.
Coding change: c.795G>T on transcript NM_006361.6 (MANE Select); coding-DNA position 795, G replaced by T.
Protein change: p.Gln265His; replaces glutamine 265 with histidine.
Molecular consequence: missense variant.
Genome position (GRCh38, 1-based): chr17:48,726,850, C>A on the plus strand (G>T on the coding strand, the complement: HOXB13 is on the minus strand). VCF-style: chr17-48726850-C-A. GRCh37 (hg19) VCF-style: chr17-46804212-C-A.
Other names: short protein forms Q265H.
Identifiers: ClinVar variation 691205 (VCV000691205.7), dbSNP rs1291038862, ClinGen allele CA400105644.
Genomic context (GRCh38, chr17:48,726,850, plus strand): 5'-TTAAGGGGTAGCGCTGTTCTTCACCTTGGCGAGAACCTTCTTCTCTTTGACCCGGCGGTT[C>A]TGAAACCAGATGGTAATCTGGCGCTCCGAGAGGCTGGTGGCTGCCGAGATCTTGCGCCTC-3'
Protein context (NP_006352.2, residues 255-275): LSERQITIWF[Gln265His]NRRVKEKKVL

ClinVar aggregate classification (germline): Uncertain significance. Review status: criteria provided, single submitter (1 of 4 stars). 2 submissions from 2 submitters: Uncertain significance (1). 1 of the submissions does not count toward it. Last evaluated 2022-09-16.

Conditions:
Prostate cancer, hereditary, 1 (HPC1). Identifiers: Orphanet 1331, MedGen C4722327, MONDO:0011098, OMIM 601518.

gnomAD v4.1: 1 of 1,614,198 alleles (0.000062%); highest among the groups gnomAD compares: Non-Finnish European, 0.000085%; no homozygotes.

Submissions (2):

Labcorp Genetics (formerly Invitae), Labcorp
Classification: Uncertain significance. Last evaluated: 2022-09-16. Review status: criteria provided, single submitter. Criteria: Invitae Variant Classification Sherloc (09022015). Collection method: clinical testing. Allele origin: germline.
Comment: This sequence change replaces glutamine, which is neutral and polar, with histidine, which is basic and polar, at codon 265 of the HOXB13 protein (p.Gln265His). This variant is not present in population databases (gnomAD no frequency). This variant has not been reported in the literature in individuals affected with HOXB13-related conditions. ClinVar contains an entry for this variant (Variation ID: 691205). Advanced modeling of protein sequence and biophysical properties (such as structural, functional, and spatial information, amino acid conservation, physicochemical variation, residue mobility, and thermodynamic stability) performed at Invitae indicates that this missense variant is expected to disrupt HOXB13 protein function. In summary, the available evidence is currently insufficient to determine the role of this variant in disease. Therefore, it has been classified as a Variant of Uncertain Significance.

Laboratory of Virology, Microbiology,  Quality and Medical Biotechnologies, Faculty of Sciences and Techniques - Mohammedia, Hassan II University of Casablanca
Classification: Uncertain significance for Prostate cancer, hereditary, 1. Review status: no assertion criteria provided. Collection method: clinical testing. Allele origin: somatic. Affected: yes. Not counted in ClinVar's aggregate classification.